The following is an entry in ClinVar:

ClinVar aggregate classification (germline): Pathogenic (1 of 4 stars; one submission).

Conditions:
Cardiovascular phenotype. Identifiers: MedGen CN230736.

Submission:

Ambry Genetics
Classification: Pathogenic for Cardiovascular phenotype. Last evaluated: 2020-08-26. Review status: criteria provided, single submitter. Criteria: Ambry Variant Classification Scheme 2023. Collection method: clinical testing. Allele origin: germline.
Comment: The c.1257delT pathogenic mutation, located in coding exon 4 of the BAG3 gene, results from a deletion of one nucleotide at nucleotide position 1257, causing a translational frameshift with a predicted alternate stop codon (p.P420Qfs*4), which would be expected to result in a protein product lacking the entire BAG domain. This alteration occurs at the 3' terminus of theBAG3 gene, is not expected to trigger nonsense-mediated mRNA decay, and only impacts the last 27% (157 amino acids) of the protein. However, premature stop codons are typically deleterious in nature and the impacted region is critical for protein function (Ambry internal data). This alteration has not been previously reported; however, loss of function alterations in the BAG domain have been reported in numerous cases of familial dilated cardiomyopathy (DCM), including many families with strong segregation with disease (Norton N et al. Am J Hum Genet. 2011;88(3):273-82; Villard E et al. Eur Heart J. 2011;32(9):1065-76; Chami N et al. Can J Cardiol. 2014;30(12):1655-61; Feldman AM et al. J Cell Physiol. 2014;229(11):1697-702; Franaszczyk M et al. J Transl Med. 2014;12:192; van Spaendonck-Zwarts KY et al. Eur Heart J. 2014;35(32):2165-73). In addition, Norton et al. showed heart failure with decreased fractional shortening and pericardial effusion in a BAG3 knockdown zebrafish model, while Fang et al., report mice with cardiac-specific BAG3 knockdown developed DCM and had reduced levels of small heat shock proteins (Norton N et al. Am J Hum Genet. 2011;88(3):273-82; Fang X et al. J. Clin. Invest., 2017 Aug;127:3189-3200). This variant was not reported in population-based cohorts in the Genome Aggregation Database (gnomAD). Based on the supporting evidence, this alteration is interpreted as a disease-causing mutation.

NM_004281.4(BAG3):c.1257del (p.Pro420fs)

Gene: BAG3 (BAG cochaperone 3; plus strand). Cytogenetic location: 10q26.11.
Variant type: Deletion.
Coding change: c.1257del on transcript NM_004281.4 (MANE Select); coding-DNA position 1257, one base deleted (T; older notation c.1257delT).
Protein change: p.Pro420fs; shifts the reading frame from proline 420.
Molecular consequence: frameshift variant.
Genome position (GRCh38, 1-based): chr10:119,676,811, T deleted. VCF-style (leftmost placement, unchanged base first): chr10-119676810-AT-A. GRCh37 (hg19) VCF-style: chr10-121436322-AT-A.
Other names: short protein forms P420fs.
Identifiers: ClinVar variation 1762103 (VCV001762103.2), dbSNP rs2494023519, ClinGen allele CA2580082436.
Genomic context (GRCh38, chr10:119,676,810, plus strand): 5'-GCACTGCCCCTGCAGAAGCTACACCTCCAAAACCAGGAGAAGCCGAGGCTCCCCCAAAAC[AT>A]CCAGGAGTGCTGAAAGTGGAAGCCATCCTGGAGAAGGTACAGGGGCTGGAGCAGGCTGTA-3'